The following is an entry in ClinVar:

NM_015072.5(TTLL5):c.1282-18_1282-17delinsAA

Gene: TTLL5 (tubulin tyrosine ligase like 5; plus strand). Cytogenetic location: 14q24.3.
Variant type: Indel.
Coding change: c.1282-18_1282-17delinsAA on transcript NM_015072.5 (MANE Select); 18 bases into the intron before coding-DNA position 1282 through 17 bases into the intron before coding-DNA position 1282, TC replaced by AA.
Molecular consequence: intron variant.
Genome position (GRCh38, 1-based): chr14:75,745,077-75,745,078, TC replaced by AA. VCF-style: chr14-75745077-TC-AA. GRCh37 (hg19) VCF-style: chr14-76211420-TC-AA.
Identifiers: ClinVar variation 1900744 (VCV001900744.3), dbSNP rs2503164735, ClinGen allele CA2580088765.

ClinVar aggregate classification (germline): Uncertain significance (1 of 4 stars; one submission).

Submission:

Labcorp Genetics (formerly Invitae), Labcorp
Classification: Uncertain significance. Last evaluated: 2022-10-18. Review status: criteria provided, single submitter. Criteria: Invitae Variant Classification Sherloc (09022015). Collection method: clinical testing. Allele origin: germline.
Comment: In summary, the available evidence is currently insufficient to determine the role of this variant in disease. Therefore, it has been classified as a Variant of Uncertain Significance. Experimental studies and prediction algorithms are not available or were not evaluated, and the effect of this variant on mRNA splicing is currently unknown. This variant has not been reported in the literature in individuals affected with TTLL5-related conditions. Information on the frequency of this variant in the gnomAD database is not available, as this variant may be reported differently in the database. This sequence change falls in intron 15 of the TTLL5 gene. It does not directly change the encoded amino acid sequence of the TTLL5 protein.